The following is an entry in ClinVar:

NM_000083.3(CLCN1):c.434-14A>G

Gene: CLCN1 (chloride voltage-gated channel 1; plus strand). Cytogenetic location: 7q34.
Variant type: single nucleotide variant.
Coding change: c.434-14A>G on transcript NM_000083.3 (MANE Select); 14 bases into the intron before coding-DNA position 434, A replaced by G.
Molecular consequence: intron variant.
Genome position (GRCh38, 1-based): chr7:143,321,351, A>G. VCF-style: chr7-143321351-A-G. GRCh37 (hg19) VCF-style: chr7-143018444-A-G.
Identifiers: ClinVar variation 359098 (VCV000359098.12), dbSNP rs200263856, ClinGen allele CA4536950.
Genomic context (GRCh38, chr7:143,321,351, plus strand): 5'-GGGTACACGTCCTGGTGCCGTGGACACGGCTGCTCAGCCATGTTCTGCCTAACCCCAGGC[A>G]TGTGTCTCCGCAGCCTACAAGTGGTCCTACGCGCAGATGCAGCCCAGCCTTCCTCTGCAG-3'

ClinVar aggregate classification (germline): Likely benign. Review status: criteria provided, multiple submitters, no conflicts (2 of 4 stars). 3 submissions from 3 submitters: Likely benign (3). Last evaluated 2025-10-27.

Conditions:
Congenital myotonia, autosomal recessive form. Also called: BECKER DISEASE; myotonia congenita, autosomal recessive; Becker Generalized Myotonia. Identifiers: Orphanet 614, MedGen C0751360, MONDO:0009715, OMIM 255700.
Congenital myotonia, autosomal dominant form (THD). Also called: Myotonia congenita autosomal dominant; THOMSEN DISEASE. Identifiers: Orphanet 614, MedGen C2936781, MONDO:0008055, OMIM 160800.
Batten-Turner congenital myopathy. Also called: Myotonia congenita; Congenital myotonia. Identifiers: Orphanet 206973, MedGen C0027127, MONDO:0100468, OMIM 255300.

Allele frequency attached by ClinVar (database versions not stated): gnomAD exomes 0.00006 and 0.00007; TOPMed 0.00008; ExAC 0.00009; gnomAD 0.00009; 1000 Genomes Project 30x 0.00016; 1000 Genomes Project 0.00020; ESP Exome Variant Server 0.00023.

Submissions (3):

Labcorp Genetics (formerly Invitae), Labcorp
Classification: Likely benign for Congenital myotonia, autosomal recessive form; Congenital myotonia, autosomal dominant form. Last evaluated: 2025-10-27. Review status: criteria provided, single submitter. Criteria: Invitae Variant Classification Sherloc (09022015). Collection method: clinical testing. Allele origin: germline.

Illumina Laboratory Services, Illumina
Classification: Likely benign for Myotonia congenita. Last evaluated: 2018-01-13. Review status: criteria provided, single submitter. Criteria: ICSL Variant Classification Criteria 13 December 2019. Collection method: clinical testing. Allele origin: germline.
Comment: This variant was observed in the ICSL laboratory as part of a predisposition screen in an ostensibly healthy population. It had not been previously curated by ICSL or reported in the Human Gene Mutation Database (HGMD: prior to June 1st, 2018), and was therefore a candidate for classification through an automated scoring system. Utilizing variant allele frequency, disease prevalence and penetrance estimates, and inheritance mode, an automated score was calculated to assess if this variant is too frequent to cause the disease. Based on the score and internal cut-off values, a variant classified as likely benign is not then subjected to further curation. The score for this variant resulted in a classification of likely benign for this disease.

GeneDx
Classification: Likely benign. Last evaluated: 2016-03-01. Review status: criteria provided, single submitter. Criteria: GeneDx Variant Classification (06012015). Collection method: clinical testing. Allele origin: germline. Affected: yes.
Comment: This variant is considered likely benign or benign based on one or more of the following criteria: it is a conservative change, it occurs at a poorly conserved position in the protein, it is predicted to be benign by multiple in silico algorithms, and/or has population frequency not consistent with disease.